The following is an entry in ClinVar:

ClinVar aggregate classification (germline): Uncertain significance. Review status: criteria provided, multiple submitters, no conflicts (2 of 4 stars). 2 submissions from 2 submitters: Uncertain significance (2). Last evaluated 2024-12-18.

Submissions (2):

Labcorp Genetics (formerly Invitae), Labcorp
Classification: Uncertain significance. Last evaluated: 2024-12-18. Review status: criteria provided, single submitter. Criteria: Invitae Variant Classification Sherloc (09022015). Collection method: clinical testing. Allele origin: germline.
Comment: This sequence change creates a premature translational stop signal (p.Glu119*) in the RAX2 gene. While this is not anticipated to result in nonsense mediated decay, it is expected to disrupt the last 66 amino acid(s) of the RAX2 protein. This variant is not present in population databases (gnomAD no frequency). This variant has not been reported in the literature in individuals affected with RAX2-related conditions. ClinVar contains an entry for this variant (Variation ID: 1374608). Experimental studies and prediction algorithms are not available or were not evaluated, and the functional significance of this variant is currently unknown. In summary, the available evidence is currently insufficient to determine the role of this variant in disease. Therefore, it has been classified as a Variant of Uncertain Significance.

Blueprint Genetics
Classification: Uncertain significance. Last evaluated: 2022-05-31. Review status: criteria provided, single submitter. Criteria: ACMG Guidelines, 2015. Collection method: clinical testing. Allele origin: germline.

NM_001319074.4(RAX2):c.355G>T (p.Glu119Ter)

Gene: RAX2 (retina and anterior neural fold homeobox 2; minus strand). Cytogenetic location: 19p13.3.
Variant type: single nucleotide variant.
Coding change: c.355G>T on transcript NM_001319074.4 (MANE Select); coding-DNA position 355, G replaced by T.
Protein change: p.Glu119Ter; replaces glutamic acid 119 with a stop codon.
Molecular consequence: nonsense.
Genome position (GRCh38, 1-based): chr19:3,770,821, C>A on the plus strand (G>T on the coding strand, the complement: RAX2 is on the minus strand). VCF-style: chr19-3770821-C-A. GRCh37 (hg19) VCF-style: chr19-3770819-C-A.
Other names: c.355G>T, p.Glu119Ter (NM_032753.4); short protein forms E119*.
Identifiers: ClinVar variation 1374608 (VCV001374608.7), dbSNP rs2037248139, ClinGen allele CA403374685.